The following is an entry in ClinVar:

NM_001197104.2(KMT2A):c.575A>T (p.Asp192Val)

Gene: KMT2A (lysine methyltransferase 2A; plus strand). Cytogenetic location: 11q23.3.
Variant type: single nucleotide variant.
Coding change: c.575A>T on transcript NM_001197104.2 (MANE Select); coding-DNA position 575, A replaced by T.
Protein change: p.Asp192Val; replaces aspartic acid 192 with valine.
Molecular consequence: missense variant.
Genome position (GRCh38, 1-based): chr11:118,471,734, A>T. VCF-style: chr11-118471734-A-T. GRCh37 (hg19) VCF-style: chr11-118342449-A-T.
Other names: c.674A>T, p.Asp225Val (NM_001412597.1); c.575A>T, p.Asp192Val (NM_005933.4); short protein forms D225V, D192V.
Identifiers: ClinVar variation 3696847 (VCV003696847.2).

ClinVar aggregate classification (germline): Uncertain significance (1 of 4 stars; one submission).

Submission:

Labcorp Genetics (formerly Invitae), Labcorp
Classification: Uncertain significance. Last evaluated: 2024-07-25. Review status: criteria provided, single submitter. Criteria: Invitae Variant Classification Sherloc (09022015). Collection method: clinical testing. Allele origin: germline.
Comment: This sequence change replaces aspartic acid, which is acidic and polar, with valine, which is neutral and non-polar, at codon 192 of the KMT2A protein (p.Asp192Val). This variant is not present in population databases (gnomAD no frequency). This variant has not been reported in the literature in individuals affected with KMT2A-related conditions. Advanced modeling of protein sequence and biophysical properties (such as structural, functional, and spatial information, amino acid conservation, physicochemical variation, residue mobility, and thermodynamic stability) has been performed at Invitae for this missense variant, however the output from this modeling did not meet the statistical confidence thresholds required to predict the impact of this variant on KMT2A protein function. In summary, the available evidence is currently insufficient to determine the role of this variant in disease. Therefore, it has been classified as a Variant of Uncertain Significance.